The following is an entry in ClinVar:

ClinVar aggregate classification (germline): Uncertain significance (1 of 4 stars; one submission).

gnomAD v4.1: 4 of 1,614,144 alleles (0.00025%); highest among the groups gnomAD compares: Non-Finnish European, 0.00034%; no homozygotes.

Submission:

Labcorp Genetics (formerly Invitae), Labcorp
Classification: Uncertain significance. Last evaluated: 2025-11-20. Review status: criteria provided, single submitter. Criteria: Invitae Variant Classification Sherloc (09022015). Collection method: clinical testing. Allele origin: germline.
Comment: This sequence change replaces glutamine, which is neutral and polar, with lysine, which is basic and polar, at codon 678 of the NDUFS1 protein (p.Gln678Lys). This variant is present in population databases (rs142684807, gnomAD 0.002%). This variant has not been reported in the literature in individuals affected with NDUFS1-related conditions. Invitae Evidence Modeling of protein sequence and biophysical properties (such as structural, functional, and spatial information, amino acid conservation, physicochemical variation, residue mobility, and thermodynamic stability) indicates that this missense variant is not expected to disrupt NDUFS1 protein function with a negative predictive value of 95%. In summary, the available evidence is currently insufficient to determine the role of this variant in disease. Therefore, it has been classified as a Variant of Uncertain Significance.

NM_005006.7(NDUFS1):c.2032C>A (p.Gln678Lys)

Gene: NDUFS1 (NADH:ubiquinone oxidoreductase core subunit S1; minus strand). Cytogenetic location: 2q33.3.
Variant type: single nucleotide variant.
Coding change: c.2032C>A on transcript NM_005006.7 (MANE Select); coding-DNA position 2032, C replaced by A.
Protein change: p.Gln678Lys; replaces glutamine 678 with lysine.
Molecular consequence: missense variant.
Genome position (GRCh38, 1-based): chr2:206,126,599, G>T on the plus strand (C>A on the coding strand, the complement: NDUFS1 is on the minus strand). VCF-style: chr2-206126599-G-T. GRCh37 (hg19) VCF-style: chr2-206991323-G-T.
Other names: c.1924C>A, p.Gln642Lys (NM_001199981.2); c.1699C>A, p.Gln567Lys (NM_001199982.2); c.1861C>A, p.Gln621Lys (NM_001199983.2); c.2074C>A, p.Gln692Lys (NM_001199984.2); short protein forms Q621K, Q567K, Q642K, Q678K, Q692K.
Identifiers: ClinVar variation 4699775 (VCV004699775.1).